The following is an entry in ClinVar:

ClinVar aggregate classification (germline): Conflicting classifications of pathogenicity. Review status: criteria provided, conflicting classifications (1 of 4 stars). 4 submissions from 4 submitters: Uncertain significance (1); Likely benign (3). Last evaluated 2025-12-01.

Conditions:
Xeroderma pigmentosum, group D (XPD). Also called: XERODERMA PIGMENTOSUM, COMPLEMENTATION GROUP D; XERODERMA PIGMENTOSUM IV; XP, GROUP D; XP, GROUP H; ERCC2-Related Xeroderma Pigmentosum. Identifiers: MedGen C0268138, MONDO:0010212, OMIM 278730.
Inborn genetic diseases. Identifiers: MedGen C0950123, MeSH D030342.

Allele frequency attached by ClinVar (database versions not stated): gnomAD 0.00001 and 0.00005; TOPMed 0.00001; gnomAD exomes 0.00007 and 0.00011; ExAC 0.00011; 1000 Genomes Project 0.00020; 1000 Genomes Project 30x 0.00031.

Submissions (4):

CeGaT Center for Human Genetics Tuebingen
Classification: Likely benign. Last evaluated: 2025-12-01. Review status: criteria provided, single submitter. Criteria: CeGaT Center For Human Genetics Tuebingen Variant Classification Criteria Version 2. Collection method: clinical testing. Allele origin: germline. Affected: yes. Observed: 3 variant alleles.
Comment: ERCC2: BP4, BP7

Labcorp Genetics (formerly Invitae), Labcorp
Classification: Likely benign. Last evaluated: 2024-10-27. Review status: criteria provided, single submitter. Criteria: Invitae Variant Classification Sherloc (09022015). Collection method: clinical testing. Allele origin: germline.

Ambry Genetics
Classification: Likely benign for Inborn genetic diseases. Last evaluated: 2022-04-04. Review status: criteria provided, single submitter. Criteria: Ambry Variant Classification Scheme 2023. Collection method: clinical testing. Allele origin: germline.

Illumina Laboratory Services, Illumina
Classification: Uncertain significance for Xeroderma pigmentosum, group D. Last evaluated: 2018-01-13. Review status: criteria provided, single submitter. Criteria: ICSL Variant Classification Criteria 13 December 2019. Collection method: clinical testing. Allele origin: germline.

NM_000400.4(ERCC2):c.2142C>G (p.Val714=)

Gene: ERCC2 (ERCC excision repair 2, TFIIH core complex helicase subunit; minus strand). Cytogenetic location: 19q13.32.
Variant type: single nucleotide variant.
Coding change: c.2142C>G on transcript NM_000400.4 (MANE Select); coding-DNA position 2142, C replaced by G.
Protein change: p.Val714=; no amino-acid change (valine 714 retained).
Molecular consequence: synonymous variant.
Genome position (GRCh38, 1-based): chr19:45,352,257, G>C on the plus strand (C>G on the coding strand, the complement: ERCC2 is on the minus strand). VCF-style: chr19-45352257-G-C. GRCh37 (hg19) VCF-style: chr19-45855515-G-C.
Identifiers: ClinVar variation 329503 (VCV000329503.38), dbSNP rs546902024, ClinGen allele CA9512871.